The following is an entry in ClinVar:

ClinVar aggregate classification (germline): Likely benign (1 of 4 stars; one submission).

Allele frequency attached by ClinVar (database versions not stated): 1000 Genomes Project 0.00080; 1000 Genomes Project 30x 0.00125.

Submission:

CeGaT Center for Human Genetics Tuebingen
Classification: Likely benign. Last evaluated: 2025-08-01. Review status: criteria provided, single submitter. Criteria: CeGaT Center For Human Genetics Tuebingen Variant Classification Criteria Version 2. Collection method: clinical testing. Allele origin: germline. Affected: yes. Observed: 2 variant alleles.
Comment: USP17L2: BP4, BS2

NM_201402.3(USP17L2):c.535G>A (p.Gly179Ser)

Genes: FAM66D (family with sequence similarity 66 member D), USP17L2 (ubiquitin specific peptidase 17 like family member 2; minus strand). Cytogenetic location: 8p23.1.
Variant type: single nucleotide variant.
Coding change: c.535G>A on transcript NM_201402.3 (MANE Select); coding-DNA position 535, G replaced by A.
Protein change: p.Gly179Ser; replaces glycine 179 with serine.
Molecular consequence: missense variant.
Genome position (GRCh38, 1-based): chr8:12,138,226, C>T on the plus strand (G>A on the coding strand, the complement: USP17L2 is on the minus strand). VCF-style: chr8-12138226-C-T. GRCh37 (hg19) VCF-style: chr8-11995735-C-T.
Other names: short protein forms G179S.
Identifiers: ClinVar variation 3025402 (VCV003025402.22), dbSNP rs551142835, ClinGen allele CA4635111.
Genomic context (GRCh38, chr8:12,138,226, plus strand): 5'-CTCCAAATATTTGGTGGATGAGGGTGGTGTCCTTAGAGTGATGATCTACCTGCTTGTGGC[C>T]GGGAAGGCATGCCTTTTTCATGGCATCCACAGTGAACATGAGAAATTCATGGGCATCTTC-3'
Protein context (NP_958804.2, residues 169-189): VDAMKKACLP[Gly179Ser]HKQVDHHSKD